The following is an entry in ClinVar:

ClinVar aggregate classification (germline): Uncertain significance. Review status: criteria provided, multiple submitters, no conflicts (2 of 4 stars). 2 submissions from 2 submitters: Uncertain significance (2). Last evaluated 2023-03-02.

Conditions:
Inborn genetic diseases. Identifiers: MedGen C0950123, MeSH D030342.
Nance-Horan syndrome (NHS). Identifiers: Orphanet 627, MedGen C0796085, MONDO:0010545, OMIM 302350.

Allele frequency attached by ClinVar (database versions not stated): gnomAD 0.00006; TOPMed 0.00008.
gnomAD v4.1: 12 of 1,054,214 alleles (0.0011%); highest among the groups gnomAD compares: African/African-American, 0.014%; no homozygotes.

Submissions (2):

Labcorp Genetics (formerly Invitae), Labcorp
Classification: Uncertain significance for Nance-Horan syndrome. Last evaluated: 2023-03-02. Review status: criteria provided, single submitter. Criteria: Invitae Variant Classification Sherloc (09022015). Collection method: clinical testing. Allele origin: germline.
Comment: ClinVar contains an entry for this variant (Variation ID: 1798996). This variant has not been reported in the literature in individuals affected with NHS-related conditions. This variant is present in population databases (no rsID available, gnomAD 0.02%). This sequence change replaces glutamic acid, which is acidic and polar, with alanine, which is neutral and non-polar, at codon 101 of the NHS protein (p.Glu101Ala). An algorithm developed to predict the effect of missense changes on protein structure and function (PolyPhen-2) suggests that this variant is likely to be disruptive. In summary, the available evidence is currently insufficient to determine the role of this variant in disease. Therefore, it has been classified as a Variant of Uncertain Significance.

Ambry Genetics
Classification: Uncertain significance for Inborn genetic diseases. Last evaluated: 2019-11-12. Review status: criteria provided, single submitter. Criteria: Ambry Variant Classification Scheme 2023. Collection method: clinical testing. Allele origin: germline.
Comment: The p.E101A variant (also known as c.302A>C), located in coding exon 1 of the NHS gene, results from an A to C substitution at nucleotide position 302. The glutamic acid at codon 101 is replaced by alanine, an amino acid with dissimilar properties. This amino acid position is well conserved in available vertebrate species. In addition, this alteration is predicted to be tolerated by in silico analysis. Since supporting evidence is limited at this time, the clinical significance of this alteration remains unclear.

NM_001291867.2(NHS):c.302A>C (p.Glu101Ala)

Gene: NHS (NHS actin remodeling regulator; plus strand). Cytogenetic location: Xp22.2.
Variant type: single nucleotide variant.
Coding change: c.302A>C on transcript NM_001291867.2 (MANE Select); coding-DNA position 302, A replaced by C.
Protein change: p.Glu101Ala; replaces glutamic acid 101 with alanine.
Molecular consequence: missense variant.
Genome position (GRCh38, 1-based): chrX:17,376,059, A>C. VCF-style: chrX-17376059-A-C. GRCh37 (hg19) VCF-style: chrX-17394182-A-C.
Other names: c.302A>C, p.Glu101Ala (NM_198270.4); short protein forms E101A.
Identifiers: ClinVar variation 1798996 (VCV001798996.7), dbSNP rs886428017, ClinGen allele CA327283554.